The following is an entry in ClinVar:

NM_015425.6(POLR1A):c.4330G>T (p.Asp1444Tyr)

Gene: POLR1A (RNA polymerase I subunit A; minus strand). Cytogenetic location: 2p11.2.
Variant type: single nucleotide variant.
Coding change: c.4330G>T on transcript NM_015425.6 (MANE Select); coding-DNA position 4330, G replaced by T.
Protein change: p.Asp1444Tyr; replaces aspartic acid 1444 with tyrosine.
Molecular consequence: missense variant.
Genome position (GRCh38, 1-based): chr2:86,031,578, C>A on the plus strand (G>T on the coding strand, the complement: POLR1A is on the minus strand). VCF-style: chr2-86031578-C-A. GRCh37 (hg19) VCF-style: chr2-86258701-C-A.
Other names: c.4330G>T (NM_015425.3); short protein forms D1444Y.
Identifiers: ClinVar variation 1482607 (VCV001482607.10), dbSNP rs201937585, ClinGen allele CA1745512.

ClinVar aggregate classification (germline): Conflicting classifications of pathogenicity. Review status: criteria provided, conflicting classifications (1 of 4 stars). 4 submissions from 4 submitters: Uncertain significance (3); Likely benign (1). Last evaluated 2025-03-05.

Conditions:
Leukodystrophy, hypomyelinating, 27 (HLD27). Identifiers: MedGen C5882743, MONDO:0958018, OMIM 620675.
Inborn genetic diseases. Identifiers: MedGen C0950123, MeSH D030342.

Allele frequency attached by ClinVar (database versions not stated): TOPMed 0.00008; ExAC 0.00012; ESP Exome Variant Server 0.00024.
gnomAD v4.1: 99 of 1,613,864 alleles (0.0061%); highest among the groups gnomAD compares: Non-Finnish European, 0.008%; no homozygotes.

Submissions (4):

Clinical Genomics Laboratory, Washington University in St. Louis
Classification: Uncertain significance for Leukodystrophy, hypomyelinating, 27. Last evaluated: 2025-03-05. Review status: criteria provided, single submitter. Criteria: ACMG Guidelines, 2015. Collection method: clinical testing. Allele origin: germline.
Comment: The POLR1A c.4330G>T (p.Asp144Tyr) variant, to our knowledge, has not been reported in the medical literature. It has been reported in the ClinVar database as a germline variant of uncertain significance by two submitters (ClinVar Variation ID: 1482607). Computational predictors suggest that the variant does not impact POLR1A function. The highest population minor allele frequency in the population database genome aggregation database (v.4.1) is 0.008% in the European non-Finnish population. Due to limited information, and based on ACMG/AMP guidelines for variant interpretation (Richards S et al., PMID: 25741868), the clinical significance of this variant is uncertain at this time.

Labcorp Genetics (formerly Invitae), Labcorp
Classification: Uncertain significance. Last evaluated: 2024-10-30. Review status: criteria provided, single submitter. Criteria: Invitae Variant Classification Sherloc (09022015). Collection method: clinical testing. Allele origin: germline.
Comment: This sequence change replaces aspartic acid, which is acidic and polar, with tyrosine, which is neutral and polar, at codon 1444 of the POLR1A protein (p.Asp1444Tyr). This variant is present in population databases (rs201937585, gnomAD 0.02%). This variant has not been reported in the literature in individuals affected with POLR1A-related conditions. ClinVar contains an entry for this variant (Variation ID: 1482607). Invitae Evidence Modeling of protein sequence and biophysical properties (such as structural, functional, and spatial information, amino acid conservation, physicochemical variation, residue mobility, and thermodynamic stability) indicates that this missense variant is not expected to disrupt POLR1A protein function with a negative predictive value of 80%. In summary, the available evidence is currently insufficient to determine the role of this variant in disease. Therefore, it has been classified as a Variant of Uncertain Significance.

Blueprint Genetics
Classification: Likely benign. Last evaluated: 2024-05-08. Review status: criteria provided, single submitter. Criteria: ACMG Guidelines, 2015. Collection method: clinical testing. Allele origin: germline.

Ambry Genetics
Classification: Uncertain significance for Inborn genetic diseases. Last evaluated: 2024-01-23. Review status: criteria provided, single submitter. Criteria: Ambry Variant Classification Scheme 2023. Collection method: clinical testing. Allele origin: germline.